The following is an entry in ClinVar:

ClinVar aggregate classification (germline): Uncertain significance (1 of 4 stars; one submission).

Conditions:
Aortic aneurysm, familial thoracic 4 (AAT4). Also called: AORTIC ANEURYSM/AORTIC DISSECTION AND PATENT DUCTUS ARTERIOSUS. Identifiers: MedGen C1851504, MONDO:0007568, OMIM 132900.

Allele frequency attached by ClinVar (database versions not stated): gnomAD 0.00001; TOPMed 0.00001.
gnomAD v4.1: 2 of 1,612,244 alleles (0.00012%); highest among the groups gnomAD compares: East Asian, 0.0045%; no homozygotes.

Submission:

Labcorp Genetics (formerly Invitae), Labcorp
Classification: Uncertain significance for Aortic aneurysm, familial thoracic 4. Last evaluated: 2016-04-03. Review status: criteria provided, single submitter. Criteria: Invitae Variant Classification Sherloc (09022015). Collection method: clinical testing. Allele origin: germline.
Comment: In summary, this variant is a novel missense change that is not predicted to affect protein function. There is no indication that it causes disease, but the available evidence is currently insufficient to prove that conclusively. Therefore, it has been classified as a Variant of Uncertain Significance. Algorithms developed to predict the effect of missense changes on protein structure and function (SIFT, PolyPhen-2, Align-GVGD) all suggest that this variant is likely to be tolerated, but these predictions have not been confirmed by published functional studies. This variant is not present in population databases (ExAC no frequency) and has not been reported in the literature in individuals with a MYH11-related disease. This sequence change replaces alanine with glycine at codon 1281 of the MYH11 protein (p.Ala1281Gly). The alanine residue is weakly conserved and there is a small physicochemical difference between alanine and glycine.

NM_002474.3(MYH11):c.3821C>G (p.Ala1274Gly)

Gene: MYH11 (myosin heavy chain 11; minus strand). Cytogenetic location: 16p13.11.
Variant type: single nucleotide variant.
Coding change: c.3821C>G on transcript NM_002474.3 (MANE Select); coding-DNA position 3821, C replaced by G.
Protein change: p.Ala1274Gly; replaces alanine 1274 with glycine.
Molecular consequence: missense variant.
Genome position (GRCh38, 1-based): chr16:15,726,885, G>C on the plus strand (C>G on the coding strand, the complement: MYH11 is on the minus strand). VCF-style: chr16-15726885-G-C. GRCh37 (hg19) VCF-style: chr16-15820742-G-C.
Other names: c.3842C>G, p.Ala1281Gly (NM_001040113.2, NM_001040114.2); c.3821C>G, p.Ala1274Gly (NM_022844.3); short protein forms A1281G, A1274G.
Identifiers: ClinVar variation 405465 (VCV000405465.8), dbSNP rs1060500723, ClinGen allele CA16614879.